The following is an entry in ClinVar:

NM_001165963.4(SCN1A):c.4581+2T>A

Genes: SCN1A (sodium voltage-gated channel alpha subunit 1; minus strand), LOC102724058 (uncharacterized LOC102724058; plus strand). Cytogenetic location: 2q24.3.
Variant type: single nucleotide variant.
Coding change: c.4581+2T>A on transcript NM_001165963.4 (MANE Select); the canonical splice donor site of the intron after coding-DNA position 4581, T replaced by A.
Molecular consequence: splice donor variant.
Genome position (GRCh38, 1-based): chr2:165,996,011, A>T on the plus strand (T>A on the coding strand, the complement: SCN1A is on the minus strand). VCF-style: chr2-165996011-A-T. GRCh37 (hg19) VCF-style: chr2-166852521-A-T.
Other names: c.4548+2T>A (NM_001353949.2, NM_001353950.2, NM_001353951.2 and 2 more transcripts); c.4497+2T>A (NM_001353958.2, NM_001353957.2, NM_001165964.3); c.4581+2T>A (NM_001202435.3, NM_001353948.2); c.4545+2T>A (NM_001353955.2, NM_001353954.2); c.4494+2T>A (NM_001353960.2); c.2139+2T>A (NM_001353961.2).
Identifiers: ClinVar variation 421413 (VCV000421413.2), dbSNP rs886039457, ClinGen allele CA16617286.

ClinVar aggregate classification (germline): Likely pathogenic (1 of 4 stars; one submission).

Submission:

GeneDx
Classification: Likely pathogenic. Last evaluated: 2016-06-10. Review status: criteria provided, single submitter. Criteria: GeneDx Variant Classification (06012015). Collection method: clinical testing. Allele origin: germline. Affected: yes.
Comment: The c.4581+2 T>A variant has not been published as a pathogenic variant, nor has it been reported as a benign variant to our knowledge. It was not observed in approximately 6,500 individuals of European and African American ancestry in the NHLBI Exome Sequencing Project, indicating it is not a common benign variant in these populations. The c.4581+2 T>A splice site variant destroys the canonical splice donor site of intron 24. It is predicted to cause abnormal gene splicing, either leading to an abnormal message that is subject to nonsense-mediated mRNA decay, or to an abnormal protein product if the message is used for protein translation. Therefore, this variant is likely pathogenic; however, the possibility that it is benign cannot be excluded.